The following is an entry in ClinVar:

ClinVar aggregate classification (germline): Uncertain significance. Review status: criteria provided, single submitter (1 of 4 stars). 2 submissions from 2 submitters: Uncertain significance (1). 1 of the submissions does not count toward it. Last evaluated 2021-08-28.

Conditions:
Wilson disease (WND). Also called: Wilson's disease. Identifiers: Orphanet 905, MedGen C0019202, MONDO:0010200, OMIM 277900. Disease mechanism: loss of function.

Allele frequency attached by ClinVar (database versions not stated): TOPMed below 0.00001; gnomAD 0.00001; gnomAD exomes 0.00001.
gnomAD v4.1: 14 of 1,613,818 alleles (0.00087%); highest among the groups gnomAD compares: Non-Finnish European, 0.0011%; no homozygotes.

Submissions (2):

Labcorp Genetics (formerly Invitae), Labcorp
Classification: Uncertain significance for Wilson disease. Last evaluated: 2021-08-28. Review status: criteria provided, single submitter. Criteria: Invitae Variant Classification Sherloc (09022015). Collection method: clinical testing. Allele origin: germline.
Comment: This sequence change replaces phenylalanine with serine at codon 323 of the ATP7B protein (p.Phe323Ser). The phenylalanine residue is highly conserved and there is a large physicochemical difference between phenylalanine and serine. This variant is not present in population databases (ExAC no frequency). This variant has not been reported in the literature in individuals affected with ATP7B-related conditions. Algorithms developed to predict the effect of missense changes on protein structure and function are either unavailable or do not agree on the potential impact of this missense change (SIFT: "Deleterious"; PolyPhen-2: "Probably Damaging"; Align-GVGD: "Class C0"). In summary, the available evidence is currently insufficient to determine the role of this variant in disease. Therefore, it has been classified as a Variant of Uncertain Significance.

Natera, Inc.
Classification: Uncertain significance for Wilson disease. Last evaluated: 2020-04-15. Review status: no assertion criteria provided. Collection method: clinical testing. Allele origin: germline. Not counted in ClinVar's aggregate classification.

NM_000053.4(ATP7B):c.968T>C (p.Phe323Ser)

Gene: ATP7B (ATPase copper transporting beta; minus strand). Cytogenetic location: 13q14.3.
Variant type: single nucleotide variant.
Coding change: c.968T>C on transcript NM_000053.4 (MANE Select); coding-DNA position 968, T replaced by C.
Protein change: p.Phe323Ser; replaces phenylalanine 323 with serine.
Molecular consequence: missense variant. On other transcripts: intron variant (1).
Genome position (GRCh38, 1-based): chr13:51,974,252, A>G on the plus strand (T>C on the coding strand, the complement: ATP7B is on the minus strand). VCF-style: chr13-51974252-A-G. GRCh37 (hg19) VCF-style: chr13-52548388-A-G.
Other names: c.968T>C, p.Phe323Ser (NM_001005918.3, NM_001330578.2, NM_001330579.2); c.802+166T>C (NM_001243182.2); short protein forms F323S.
Identifiers: ClinVar variation 991752 (VCV000991752.3), dbSNP rs1186805034, ClinGen allele CA388039963.